The following is an entry in ClinVar:

ClinVar aggregate classification (germline): Conflicting classifications of pathogenicity. Review status: criteria provided, conflicting classifications (1 of 4 stars). 16 submissions from 16 submitters: Uncertain significance (5); Likely benign (9). 2 of the submissions do not count toward it. Last evaluated 2026-09-21.

Conditions:
Inherited ovarian cancer (without breast cancer).
Familial ovarian cancer. Identifiers: MedGen C5679802, MONDO:0016248.
Fanconi anemia complementation group J. Also called: BRIP1-Related Fanconi Anemia. Identifiers: Orphanet 84, MedGen C1836860, MONDO:0012187, OMIM 609054.
Ovarian cancer. Also called: OVARIAN CANCER, SOMATIC. Identifiers: Orphanet 213500, MedGen C1140680, MONDO:0008170, OMIM 167000.
BRIP1-related disorder. Also called: BRIP1-related condition; BRIP1-related disorders. Identifiers: MedGen CN239206.
Breast and/or ovarian cancer. Identifiers: MedGen CN221562.
Familial cancer of breast. Also called: hereditary breast carcinoma; Hereditary breast cancer; BREAST CANCER, FAMILIAL. Identifiers: Orphanet 227535, MedGen C0346153, MONDO:0016419, OMIM 114480. Disease mechanism: loss of function.
Hereditary cancer-predisposing syndrome. Also called: Neoplastic Syndromes, Hereditary; Tumor predisposition; Hereditary Cancer Syndrome; Hereditary neoplastic syndrome. Identifiers: Orphanet 140162, MedGen C0027672, MeSH D009386, MONDO:0015356.

Allele frequency attached by ClinVar (database versions not stated): gnomAD 0.00002 and 0.00003; TOPMed 0.00003; gnomAD exomes 0.00012 and 0.00019; ExAC 0.00017.
gnomAD v4.1: 181 of 1,614,106 alleles (0.011%); highest among the groups gnomAD compares: South Asian, 0.16%; 1 homozygote.

Submissions (16):

PreventionGenetics, part of Exact Sciences
Classification: Likely benign for BRIP1-related condition. Last evaluated: 2026-09-21. Review status: criteria provided, single submitter. Criteria: ACMG Guidelines, 2015. Collection method: clinical testing. Allele origin: germline.
Comment: This variant is classified as likely benign based on ACMG/AMP sequence variant interpretation guidelines (Richards et al. 2015 PMID: 25741868, with internal and published modifications).

Labcorp Genetics (formerly Invitae), Labcorp
Classification: Likely benign for Familial cancer of breast; Fanconi anemia complementation group J. Last evaluated: 2026-01-06. Review status: criteria provided, single submitter. Criteria: Invitae Variant Classification Sherloc (09022015). Collection method: clinical testing. Allele origin: germline.

Center for Genomic Medicine, Rigshospitalet, Copenhagen University Hospital
Classification: Uncertain significance. Last evaluated: 2025-03-04. Review status: criteria provided, single submitter. Criteria: ACMG Guidelines, 2015. Collection method: clinical testing. Allele origin: germline.

Color Diagnostics, LLC DBA Color Health
Classification: Likely benign for Hereditary cancer-predisposing syndrome. Last evaluated: 2024-09-19. Review status: criteria provided, single submitter. Criteria: ACMG Guidelines, 2015. Collection method: clinical testing. Allele origin: germline.

Genomics and Molecular Medicine Service, East Genomic Laboratory Hub, NHS Genomic Medicine Service
Classification: Likely benign for Inherited ovarian cancer (without breast cancer). Last evaluated: 2024-05-08. Review status: criteria provided, single submitter. Criteria: ACGS Best Practice Guidelines for Variant Classification in Rare Disease 2020. Collection method: clinical testing. Allele origin: germline. Affected: yes.
Comment: BS1_Strong,BP4

Revvity Omics, Revvity
Classification: Likely benign for Fanconi anemia complementation group J. Last evaluated: 2024-03-18. Review status: criteria provided, single submitter. Criteria: ACMG Guidelines, 2015. Collection method: clinical testing. Allele origin: germline.

Department of Pathology and Laboratory Medicine, Sinai Health System
Classification: Likely benign for familial ovarian cancer. Last evaluated: 2024-01-05. Review status: criteria provided, single submitter. Criteria: ACMG Guidelines, 2015. Collection method: clinical testing. Allele origin: germline. Affected: no.

Myriad Genetics, Inc.
Classification: Uncertain significance for Familial cancer of breast. Last evaluated: 2023-03-02. Review status: criteria provided, single submitter. Criteria: Myriad Autosomal Dominant, Autosomal Recessive and X-Linked Classification Criteria (2023). Collection method: clinical testing. Allele origin: unknown.
Comment: This variant is classified as a variant of uncertain significance as there is insufficient evidence to determine its impact on protein function and/or cancer risk.

Women's Health and Genetics/Laboratory Corporation of America, LabCorp
Classification: Likely benign. Last evaluated: 2023-02-25. Review status: criteria provided, single submitter. Criteria: LabCorp Variant Classification Summary - May 2015. Collection method: clinical testing. Allele origin: germline.

Sema4
Classification: Uncertain significance for Hereditary cancer-predisposing syndrome. Last evaluated: 2021-11-29. Review status: criteria provided, single submitter. Criteria: Sema4 Curation Guidelines. Collection method: curation. Allele origin: germline.
Comment: The BRIP1 c.2804T>G (p.Val935Gly) variant has been reported in heterozygosity in at least 1 individual with breast cancer (PMID: 12872252). It has been reported in 8 cases and 5 controls in a large dataset of 60,466 women with breast cancer and 53,461 controls (PMID: 33471991). It is also known as c.2945T>G (V935G) in the literature. It was observed in 44/30608 chromosomes of the South Asian (SAS) subpopulation, with 1 homozygote, in the large and broad cohorts of the Genome Aggregation Database (PMID: 32461654). This variant has been reported in ClinVar (Variation ID 133757). Functional studies have not been performed, and in silico predictions of the variant's effect on protein function are inconclusive. The evidence is insufficient to meet ACMG/AMP criteria for classifying the variant as benign or pathogenic. Thus, the clinical significance of this variant is currently uncertain.

CHEO Genetics Diagnostic Laboratory, Children's Hospital of Eastern Ontario
Classification: Likely benign for Breast and/or ovarian cancer. Last evaluated: 2021-11-12. Review status: criteria provided, single submitter. Criteria: ACMG Guidelines, 2015. Collection method: clinical testing. Allele origin: germline.

Ambry Genetics
Classification: Likely benign for Hereditary cancer-predisposing syndrome. Last evaluated: 2021-05-19. Review status: criteria provided, single submitter. Criteria: Ambry Variant Classification Scheme 2023. Collection method: clinical testing. Allele origin: germline.

Genetic Services Laboratory, University of Chicago
Classification: Uncertain significance. Last evaluated: 2019-12-26. Review status: criteria provided, single submitter. Criteria: ACMG Guidelines, 2015. Collection method: clinical testing. Allele origin: germline. Affected: no.
Comment: DNA sequence analysis of the BRIP1 gene demonstrated a sequence change, c.2804T>G, in exon 19 that results in an amino acid change, p.Val935Gly. This sequence change does not appear to have been previously described in patients with BRIP1-related disorders and has been described in the gnomAD database with a frequency of 0.14% in South Asian populatons (dbSNP rs4988356). The p.Val935Gly change affects a poorly conserved amino acid residue located in a domain of the BRIP1 protein that is not known to be functional. The p.Val935Gly substitution appears to be benign using several in-silico pathogenicity prediction tools (SIFT, PolyPhen2, Align GVGD, REVEL). Due to the lack of functional studies, the clinical significance of the p.Val935Gly change remains unknown at this time.

GeneDx
Classification: Uncertain significance. Last evaluated: 2019-08-29. Review status: criteria provided, single submitter. Criteria: GeneDx Variant Classification Process June 2021. Collection method: clinical testing. Allele origin: germline. Affected: yes.
Comment: Observed in an individual with breast cancer (Rutter 2003); Identified at similar frequency in breast cancer cases and controls in a large case-control study (p=0.51) (Easton 2016); In silico analysis, which includes protein predictors and evolutionary conservation, supports that this variant does not alter protein structure/function; Also known as BRIP1 c.2945T>G; This variant is associated with the following publications: (PMID: 12872252, 24728327, 26921362)

Counsyl
Classification: Uncertain significance for Fanconi anemia complementation group J; Ovarian cancer. Last evaluated: 2017-06-21. Review status: no assertion criteria provided. Collection method: clinical testing. Allele origin: unknown. Not counted in ClinVar's aggregate classification.

ITMI
No classification provided. Condition: AllHighlyPenetrant. Last evaluated: 2013-09-19. Review status: no classification provided. Collection method: reference population. Allele origin: germline. Not counted in ClinVar's aggregate classification.
Comment: Please see associated publication for description of ethnicities

Literature cited by the submitters: PubMed 29641532 (cited by Department of Pathology and Laboratory Medicine, Sinai Health System and Ambry Genetics); PubMed 33471991 (cited by Department of Pathology and Laboratory Medicine, Sinai Health System and Sema4); PubMed 12872252 (cited by 5 submitters); PubMed 26921362 (cited by Women's Health and Genetics/Laboratory Corporation of America, LabCorp and Ambry Genetics); PubMed 17033622 (cited by Counsyl); PubMed 24728327 (cited by Counsyl and ITMI).

NM_032043.3(BRIP1):c.2804T>G (p.Val935Gly)

Gene: BRIP1 (BRCA1 interacting DNA helicase 1; minus strand). Cytogenetic location: 17q23.2.
Variant type: single nucleotide variant.
Coding change: c.2804T>G on transcript NM_032043.3 (MANE Select); coding-DNA position 2804, T replaced by G.
Protein change: p.Val935Gly; replaces valine 935 with glycine.
Molecular consequence: missense variant.
Genome position (GRCh38, 1-based): chr17:61,685,937, A>C on the plus strand (T>G on the coding strand, the complement: BRIP1 is on the minus strand). VCF-style: chr17-61685937-A-C. GRCh37 (hg19) VCF-style: chr17-59763298-A-C.
Other names: short protein forms V935G.
Identifiers: ClinVar variation 133757 (VCV000133757.43), dbSNP rs4988356, ClinGen allele CA157707.